The following is an entry in ClinVar:

ClinVar aggregate classification (germline): Pathogenic/Likely pathogenic. Review status: criteria provided, multiple submitters, no conflicts (2 of 4 stars). 3 submissions from 3 submitters: Pathogenic (1); Likely pathogenic (2). Last evaluated 2025-07-03.

Conditions:
Hereditary cancer-predisposing syndrome. Also called: Neoplastic Syndromes, Hereditary; Hereditary Cancer Syndrome; Tumor predisposition; Hereditary neoplastic syndrome. Identifiers: Orphanet 140162, MedGen C0027672, MeSH D009386, MONDO:0015356.
Familial melanoma. Also called: Hereditary melanoma; Hereditary cutaneous melanoma. Identifiers: Orphanet 618, MedGen C1512419, MONDO:0018961.

Submissions (3):

Ambry Genetics
Classification: Likely pathogenic for Hereditary cancer-predisposing syndrome. Last evaluated: 2025-07-03. Review status: criteria provided, single submitter. Criteria: Ambry Variant Classification Scheme 2023. Collection method: clinical testing. Allele origin: germline.
Comment: The c.193+5G>A intronic variant results from a G to A substitution 5 nucleotides after coding exon 1&beta; in the CDKN2A (p14) gene. This nucleotide position is highly conserved in available vertebrate species. In silico splice site analysis predicts that this alteration may weaken the native splice donor site; however, direct evidence is insufficient at this time (Ambry internal data). Alterations at +1 and +3 donor positions have been shown to have aberrant splicing (Harland M et al. Oncogene, 2005 Jun;24:4604-8). Among several other close match splice alterations at this same donor site, this alteration was identified in multiple familial melanoma kindreds (Harland M et al. Oncogene, 2005 Jun;24:4604-8). This alteration segregated strongly with melanoma in one family (Djursby M et al. Ugeskr. Laeg., 2014 Sep;176; Wadt KA et al. PLoS ONE, 2015 Mar;10:e0122662). Based on the majority of available evidence to date, this variant is likely to be pathogenic.

GeneDx
Classification: Likely pathogenic. Last evaluated: 2022-02-18. Review status: criteria provided, single submitter. Criteria: GeneDx Variant Classification Process June 2021. Collection method: clinical testing. Allele origin: germline. Affected: yes.
Comment: Segregates with melanoma in many affected individuals from multiple families (Wadt 2015); Not observed at significant frequency in large population cohorts (gnomAD); In silico analysis is inconclusive as to whether the variant alters gene splicing. In the absence of RNA/functional studies, the actual effect of this sequence change is unknown; This variant is associated with the following publications: (PMID: 28830827, 25803691, 25294512)

Labcorp Genetics (formerly Invitae), Labcorp
Classification: Pathogenic for Familial melanoma. Last evaluated: 2021-12-08. Review status: criteria provided, single submitter. Criteria: Invitae Variant Classification Sherloc (09022015). Collection method: clinical testing. Allele origin: germline.
Comment: This sequence change falls in intron 1 of the CDKN2A (p14ARF) gene. It does not directly change the encoded amino acid sequence of the CDKN2A (p14ARF) protein. It affects a nucleotide within the consensus splice site. This variant is not present in population databases (gnomAD no frequency). This variant has been observed in individual(s) with multiple primary melanomas (PMID: 25294512, 25803691; Invitae). It has also been observed to segregate with disease in related individuals. ClinVar contains an entry for this variant (Variation ID: 141882). Variants that disrupt the consensus splice site are a relatively common cause of aberrant splicing (PMID: 17576681, 9536098). Algorithms developed to predict the effect of sequence changes on RNA splicing suggest that this variant may disrupt the consensus splice site. For these reasons, this variant has been classified as Pathogenic.

Literature cited by the submitters: PubMed 15856016 (cited by Ambry Genetics); PubMed 20132244 (cited by Ambry Genetics); PubMed 21893440 (cited by Ambry Genetics); PubMed 25294512 (cited by Ambry Genetics and Labcorp Genetics (formerly Invitae), Labcorp); PubMed 25803691 (cited by Ambry Genetics and Labcorp Genetics (formerly Invitae), Labcorp); PubMed 26876133 (cited by Ambry Genetics); PubMed 28830827 (cited by Ambry Genetics); PubMed 17576681 (cited by Labcorp Genetics (formerly Invitae), Labcorp); PubMed 9536098 (cited by Labcorp Genetics (formerly Invitae), Labcorp).

NM_058195.4(CDKN2A):c.193+5G>A

Gene: CDKN2A (cyclin dependent kinase inhibitor 2A; minus strand). Cytogenetic location: 9p21.3.
Variant type: single nucleotide variant.
Coding change: c.193+5G>A on transcript NM_058195.4 (MANE Plus Clinical); 5 bases into the intron after coding-DNA position 193, G replaced by A.
Molecular consequence: intron variant.
Genome position (GRCh38, 1-based): chr9:21,994,134, C>T on the plus strand (G>A on the coding strand, the complement: CDKN2A is on the minus strand). VCF-style: chr9-21994134-C-T. GRCh37 (hg19) VCF-style: chr9-21994133-C-T.
Other names: c.-4+687G>A (NM_001363763.2).
Identifiers: ClinVar variation 141882 (VCV000141882.13), dbSNP rs587782083, ClinGen allele CA166694.
Genomic context (GRCh38, chr9:21,994,134, plus strand): 5'-TACGAAATCACACCAAACAAAACAAGTGCCGAATGCGCCCCGGACTTTTCGAGGGCCTTT[C>T]CTACCTGGTCTTCTAGGAAGCGGCTGCTGCCCTAGACGCTGGCTCCTCAGTAGCATCAGC-3'